The following is an entry in ClinVar:

ClinVar aggregate classification (germline): Uncertain significance (1 of 4 stars; one submission).

Conditions:
Joubert syndrome. Also called: JOUBERT-BOLTSHAUSER SYNDROME; Familial aplasia of the vermis. Identifiers: Orphanet 475, MedGen C5979921, MONDO:0018772.
Meckel-Gruber syndrome. Also called: DYSENCEPHALIA SPLANCHNOCYSTICA; GRUBER SYNDROME; Dysencephalia splachnocystica. Identifiers: Orphanet 564, MedGen C0265215, MONDO:0018921.

Allele frequency attached by ClinVar (database versions not stated): gnomAD exomes below 0.00001 and 0.00001; gnomAD 0.00001.
gnomAD v4.1: 5 of 1,605,954 alleles (0.00031%); highest among the groups gnomAD compares: Admixed American, 0.0034%; no homozygotes.

Submission:

Labcorp Genetics (formerly Invitae), Labcorp
Classification: Uncertain significance for Joubert syndrome; Meckel-Gruber syndrome. Last evaluated: 2022-10-17. Review status: criteria provided, single submitter. Criteria: Invitae Variant Classification Sherloc (09022015). Collection method: clinical testing. Allele origin: germline.
Comment: This sequence change replaces leucine, which is neutral and non-polar, with valine, which is neutral and non-polar, at codon 650 of the CC2D2A protein (p.Leu650Val). This variant is present in population databases (no rsID available, gnomAD 0.003%). This variant has not been reported in the literature in individuals affected with CC2D2A-related conditions. ClinVar contains an entry for this variant (Variation ID: 1443866). Advanced modeling of protein sequence and biophysical properties (such as structural, functional, and spatial information, amino acid conservation, physicochemical variation, residue mobility, and thermodynamic stability) performed at Invitae indicates that this missense variant is not expected to disrupt CC2D2A protein function. In summary, the available evidence is currently insufficient to determine the role of this variant in disease. Therefore, it has been classified as a Variant of Uncertain Significance.

NM_001378615.1(CC2D2A):c.1948C>G (p.Leu650Val)

Genes: CC2D2A (coiled-coil and C2 domain containing 2A; plus strand), FBXL5 (F-box and leucine rich repeat protein 5; minus strand). Cytogenetic location: 4p15.32.
Variant type: single nucleotide variant.
Coding change: c.1948C>G on transcript NM_001378615.1 (MANE Select); coding-DNA position 1948, C replaced by G.
Protein change: p.Leu650Val; replaces leucine 650 with valine.
Molecular consequence: missense variant.
Genome position (GRCh38, 1-based): chr4:15,538,082, C>G. VCF-style: chr4-15538082-C-G. GRCh37 (hg19) VCF-style: chr4-15539705-C-G.
Other names: c.1948C>G, p.Leu650Val (NM_001080522.2); c.1801C>G, p.Leu601Val (NM_001378617.1); short protein forms L601V, L650V.
Identifiers: ClinVar variation 1443866 (VCV001443866.3), dbSNP rs1382964089, ClinGen allele CA356411922.